The following is an entry in ClinVar:

NM_025132.4(WDR19):c.3840+2T>C

Gene: WDR19 (WD repeat domain 19; plus strand). Cytogenetic location: 4p14.
Variant type: single nucleotide variant.
Coding change: c.3840+2T>C on transcript NM_025132.4 (MANE Select); the canonical splice donor site of the intron after coding-DNA position 3840, T replaced by C.
Molecular consequence: splice donor variant.
Genome position (GRCh38, 1-based): chr4:39,277,145, T>C. VCF-style: chr4-39277145-T-C. GRCh37 (hg19) VCF-style: chr4-39278765-T-C.
Other names: c.3360+2T>C (NM_001317924.2).
Identifiers: ClinVar variation 4995343 (VCV004995343.1).

ClinVar aggregate classification (germline): Likely pathogenic (1 of 4 stars; one submission).

Conditions:
WDR19-related disorder. Also called: WDR19-related condition; WDR19-related disorders. Identifiers: MedGen CN380161.

gnomAD v4.1: 3 of 1,602,020 alleles (0.00019%); highest among the groups gnomAD compares: Non-Finnish European, 0.00026%; no homozygotes.

Submission:

PreventionGenetics, part of Exact Sciences
Classification: Likely pathogenic for WDR19-related condition. Last evaluated: 2026-08-19. Review status: criteria provided, single submitter. Criteria: ACMG Guidelines, 2015. Collection method: clinical testing. Allele origin: germline.
Comment: The WDR19 c.3840+2T>C variant is predicted to disrupt the GT donor site and interfere with normal splicing. To our knowledge, this variant has not been reported in the literature or in a large population database (gnomAD), indicating this variant is rare. Variants that disrupt the consensus splice donor site in WDR19 are expected to be pathogenic. This variant is interpreted as likely pathogenic.